The following is an entry in ClinVar:

ClinVar aggregate classification (germline): Uncertain significance. Review status: criteria provided, multiple submitters, no conflicts (2 of 4 stars). 4 submissions from 4 submitters: Uncertain significance (4). Last evaluated 2025-10-05.

Conditions:
Microcephaly 5, primary, autosomal recessive (MCPH5). Also called: ASPM Primary Microcephaly. Identifiers: Orphanet 2512, MedGen C1837501, MONDO:0012106, OMIM 608716.
Inborn genetic diseases. Identifiers: MedGen C0950123, MeSH D030342.

Allele frequency attached by ClinVar (database versions not stated): ExAC 0.00001; gnomAD 0.00005; TOPMed 0.00005.
gnomAD v4.1: 40 of 1,609,350 alleles (0.0025%); highest among the groups gnomAD compares: Admixed American, 0.0084%; no homozygotes.

Submissions (4):

GeneDx
Classification: Uncertain significance. Last evaluated: 2025-10-05. Review status: criteria provided, single submitter. Criteria: GeneDx Variant Classification Process June 2021. Collection method: clinical testing. Allele origin: germline. Affected: yes.
Comment: Not observed at significant frequency in large population cohorts (gnomAD); In silico analysis supports that this missense variant has a deleterious effect on protein structure/function; Missense variant in a gene in which most reported pathogenic variants are truncating/loss of function; Has not been previously published as pathogenic or benign to our knowledge

Genome-Nilou Lab
Classification: Uncertain significance for Microcephaly 5, primary, autosomal recessive. Last evaluated: 2023-04-11. Review status: criteria provided, single submitter. Criteria: ACMG Guidelines, 2015. Collection method: clinical testing. Allele origin: germline. Affected: no.

Ambry Genetics
Classification: Uncertain significance for Inborn genetic diseases. Last evaluated: 2023-03-28. Review status: criteria provided, single submitter. Criteria: Ambry Variant Classification Scheme 2023. Collection method: clinical testing. Allele origin: germline.

Labcorp Genetics (formerly Invitae), Labcorp
Classification: Uncertain significance. Last evaluated: 2022-02-01. Review status: criteria provided, single submitter. Criteria: Invitae Variant Classification Sherloc (09022015). Collection method: clinical testing. Allele origin: germline.
Comment: This sequence change replaces arginine, which is basic and polar, with glutamine, which is neutral and polar, at codon 3152 of the ASPM protein (p.Arg3152Gln). This variant is present in population databases (rs565600060, gnomAD 0.006%). This variant has not been reported in the literature in individuals affected with ASPM-related conditions. Algorithms developed to predict the effect of missense changes on protein structure and function output the following: SIFT: "Deleterious"; PolyPhen-2: "Possibly Damaging"; Align-GVGD: "Class C35". The glutamine amino acid residue is found in multiple mammalian species, which suggests that this missense change does not adversely affect protein function. In summary, the available evidence is currently insufficient to determine the role of this variant in disease. Therefore, it has been classified as a Variant of Uncertain Significance.

NM_018136.5(ASPM):c.9455G>A (p.Arg3152Gln)

Gene: ASPM (assembly factor for spindle microtubules; minus strand). Cytogenetic location: 1q31.3.
Variant type: single nucleotide variant.
Coding change: c.9455G>A on transcript NM_018136.5 (MANE Select); coding-DNA position 9455, G replaced by A.
Protein change: p.Arg3152Gln; replaces arginine 3152 with glutamine.
Molecular consequence: missense variant.
Genome position (GRCh38, 1-based): chr1:197,091,031, C>T on the plus strand (G>A on the coding strand, the complement: ASPM is on the minus strand). VCF-style: chr1-197091031-C-T. GRCh37 (hg19) VCF-style: chr1-197060161-C-T.
Other names: c.4700G>A, p.Arg1567Gln (NM_001206846.2); short protein forms R1567Q, R3152Q.
Identifiers: ClinVar variation 1704817 (VCV001704817.7), dbSNP rs565600060, ClinGen allele CA1308941.
Genomic context (GRCh38, chr1:197,091,031, plus strand): 5'-TGCTCAATCTTTTTGATGCTATGATATTTCTGAATAAATCTCTTTTCTTGTAATCTTGCT[C>T]GAAACCATCTCTGTTTAAAACATAGAATTTTGTTTTTCATTTCTACTTCAGGTTTTTTTA-3'
Protein context (NP_060606.3, residues 3142-3162): NSVICIQRWF[Arg3152Gln]ARLQEKRFIQ